The following is an entry in ClinVar:

ClinVar aggregate classification (germline): Uncertain significance. Review status: criteria provided, multiple submitters, no conflicts (2 of 4 stars). 2 submissions from 2 submitters: Uncertain significance (2). Last evaluated 2024-12-04.

Allele frequency attached by ClinVar (database versions not stated): gnomAD exomes below 0.00001; TOPMed 0.00001.
gnomAD v4.1: 5 of 1,613,758 alleles (0.00031%); highest among the groups gnomAD compares: East Asian, 0.0022%; no homozygotes.

Submissions (2):

Ambry Genetics
Classification: Uncertain significance. Last evaluated: 2024-12-04. Review status: criteria provided, single submitter. Criteria: Ambry Variant Classification Scheme 2023. Collection method: clinical testing. Allele origin: germline.

Labcorp Genetics (formerly Invitae), Labcorp
Classification: Uncertain significance. Last evaluated: 2021-04-08. Review status: criteria provided, single submitter. Criteria: Invitae Variant Classification Sherloc (09022015). Collection method: clinical testing. Allele origin: germline.
Comment: In summary, the available evidence is currently insufficient to determine the role of this variant in disease. Therefore, it has been classified as a Variant of Uncertain Significance. Algorithms developed to predict the effect of missense changes on protein structure and function are either unavailable or do not agree on the potential impact of this missense change (SIFT: "Deleterious"; PolyPhen-2: "Benign"; Align-GVGD: "Class C0"). This variant has not been reported in the literature in individuals with ADIPOR1-related conditions. This variant is not present in population databases (ExAC no frequency). This sequence change replaces arginine with glutamine at codon 257 of the ADIPOR1 protein (p.Arg257Gln). The arginine residue is moderately conserved and there is a small physicochemical difference between arginine and glutamine.

NM_015999.6(ADIPOR1):c.770G>A (p.Arg257Gln)

Gene: ADIPOR1 (adiponectin receptor 1; minus strand). Cytogenetic location: 1q32.1.
Variant type: single nucleotide variant.
Coding change: c.770G>A on transcript NM_015999.6 (MANE Select); coding-DNA position 770, G replaced by A.
Protein change: p.Arg257Gln; replaces arginine 257 with glutamine.
Molecular consequence: missense variant.
Genome position (GRCh38, 1-based): chr1:202,943,793, C>T on the plus strand (G>A on the coding strand, the complement: ADIPOR1 is on the minus strand). VCF-style: chr1-202943793-C-T. GRCh37 (hg19) VCF-style: chr1-202912921-C-T.
Other names: c.770G>A, p.Arg257Gln (NM_001290553.2, NM_001290557.1, NM_001290629.1); c.770G>A (NM_015999.3); short protein forms R257Q.
Identifiers: ClinVar variation 1385955 (VCV001385955.9), dbSNP rs944828835, ClinGen allele CA35605721.
Genomic context (GRCh38, chr1:202,943,793, plus strand): 5'-GGTGTACGTACATCTTCCGACCTACCTGCTCTTGTCTGCCGGTGCTTAGGAGTGGCAAAC[C>T]GGTCCCACTGCGCCACAATGATGGCAGAAATGCCCAGGACACAGACGATGGAGAGGTAGA-3'
Protein context (NP_057083.2, residues 247-267): ISAIIVAQWD[Arg257Gln]FATPKHRQTR